The following is an entry in ClinVar:

NM_000057.4(BLM):c.197A>T (p.Asn66Ile)

Gene: BLM (BLM RecQ like helicase; plus strand). Cytogenetic location: 15q26.1.
Variant type: single nucleotide variant.
Coding change: c.197A>T on transcript NM_000057.4 (MANE Select); coding-DNA position 197, A replaced by T.
Protein change: p.Asn66Ile; replaces asparagine 66 with isoleucine.
Molecular consequence: missense variant. On other transcripts: 5 prime UTR variant (1).
Genome position (GRCh38, 1-based): chr15:90,749,465, A>T. VCF-style: chr15-90749465-A-T. GRCh37 (hg19) VCF-style: chr15-91292695-A-T.
Other names: c.197A>T, p.Asn66Ile (NM_001287246.2, NM_001287247.2); c.-1095A>T (NM_001287248.2); short protein forms N66I.
Identifiers: ClinVar variation 3480911 (VCV003480911.1).

ClinVar aggregate classification (germline): Uncertain significance (1 of 4 stars; one submission).

Conditions:
Hereditary cancer-predisposing syndrome. Also called: Tumor predisposition; Neoplastic Syndromes, Hereditary; Hereditary Cancer Syndrome; Hereditary neoplastic syndrome. Identifiers: Orphanet 140162, MedGen C0027672, MeSH D009386, MONDO:0015356.

gnomAD v4.1: 1 of 1,612,886 alleles (0.000062%); highest among the groups gnomAD compares: South Asian, 0.0011%; no homozygotes.

Submission:

Ambry Genetics
Classification: Uncertain significance for Hereditary cancer-predisposing syndrome. Last evaluated: 2024-11-30. Review status: criteria provided, single submitter. Criteria: Ambry Variant Classification Scheme 2023. Collection method: clinical testing. Allele origin: germline.
Comment: The p.N66I variant (also known as c.197A>T), located in coding exon 2 of the BLM gene, results from an A to T substitution at nucleotide position 197. The asparagine at codon 66 is replaced by isoleucine, an amino acid with dissimilar properties. This amino acid position is conserved. In addition, this alteration is predicted to be tolerated by in silico analysis. Based on the available evidence, the clinical significance of this variant remains unclear.